The following is an entry in ClinVar:

NM_033004.4(NLRP1):c.3783+1G>C

Gene: NLRP1 (NLR family pyrin domain containing 1; minus strand). Cytogenetic location: 17p13.2.
Variant type: single nucleotide variant.
Coding change: c.3783+1G>C on transcript NM_033004.4 (MANE Select); the canonical splice donor site of the intron after coding-DNA position 3783, G replaced by C.
Molecular consequence: splice donor variant.
Genome position (GRCh38, 1-based): chr17:5,521,523, C>G on the plus strand (G>C on the coding strand, the complement: NLRP1 is on the minus strand). VCF-style: chr17-5521523-C-G. GRCh37 (hg19) VCF-style: chr17-5424843-C-G.
Other names: c.3795+1G>C (NM_001033053.3); c.3693+1G>C (NM_033007.4, NM_033006.4); c.3783+1G>C (NM_014922.5).
Identifiers: ClinVar variation 1940526 (VCV001940526.5), dbSNP rs996255265, ClinGen allele CA287278672.
Genomic context (GRCh38, chr17:5,521,523, plus strand): 5'-GCTGCATTTTGTGTTTACCGTCAACCCACCGTGGCCCAGCCTTTCTGGCTCTTAGTGTCA[C>G]CTTCCGAATGGAGCAGTCACTTGGGATCAGGTAGAGGTGGAAGGTGACTTCCTCAGGATG-3'

ClinVar aggregate classification (germline): Uncertain significance (1 of 4 stars; one submission).

Allele frequency attached by ClinVar (database versions not stated): gnomAD exomes below 0.00001; TOPMed below 0.00001.
gnomAD v4.1: 1 of 1,612,014 alleles (0.000062%); highest among the groups gnomAD compares: Non-Finnish European, 0.000085%; no homozygotes.

Submission:

Labcorp Genetics (formerly Invitae), Labcorp
Classification: Uncertain significance. Last evaluated: 2022-06-14. Review status: criteria provided, single submitter. Criteria: Invitae Variant Classification Sherloc (09022015). Collection method: clinical testing. Allele origin: germline.
Comment: In summary, the available evidence is currently insufficient to determine the role of this variant in disease. Therefore, it has been classified as a Variant of Uncertain Significance. Algorithms developed to predict the effect of sequence changes on RNA splicing suggest that this variant may disrupt the consensus splice site. This variant has not been reported in the literature in individuals affected with NLRP1-related conditions. This variant is not present in population databases (gnomAD no frequency). This sequence change affects a donor splice site in intron 13 of the NLRP1 gene. It is expected to disrupt RNA splicing. Variants that disrupt the donor or acceptor splice site typically lead to a loss of protein function (PMID: 16199547), however the current clinical and genetic evidence is not sufficient to establish whether loss-of-function variants in NLRP1 cause disease.

Literature cited by the submitters: PubMed 16199547.